The following is an entry in ClinVar:

NM_001371596.2(MFSD8):c.1387G>A (p.Gly463Arg)

Gene: MFSD8 (major facilitator superfamily domain containing 8; minus strand). Cytogenetic location: 4q28.2.
Variant type: single nucleotide variant.
Coding change: c.1387G>A on transcript NM_001371596.2 (MANE Select); coding-DNA position 1387, G replaced by A.
Protein change: p.Gly463Arg; replaces glycine 463 with arginine.
Molecular consequence: missense variant.
Genome position (GRCh38, 1-based): chr4:127,920,800, C>T on the plus strand (G>A on the coding strand, the complement: MFSD8 is on the minus strand). VCF-style: chr4-127920800-C-T. GRCh37 (hg19) VCF-style: chr4-128841955-C-T.
Other names: c.1186G>A, p.Gly396Arg (NM_001363520.3); c.1072G>A, p.Gly358Arg (NM_001363521.3); c.1252G>A, p.Gly418Arg (NM_001371590.2); c.1396G>A, p.Gly466Arg (NM_001371591.2); c.1393G>A, p.Gly465Arg (NM_001371592.2); c.1273G>A, p.Gly425Arg (NM_001371593.2); c.1240G>A, p.Gly414Arg (NM_001371594.2); c.1105G>A, p.Gly369Arg (NM_001371595.1); and 3 more; short protein forms G465R, G466R, G369R, G414R, G313R, G358R, G396R, G418R.
Identifiers: ClinVar variation 2162472 (VCV002162472.2), dbSNP rs2546042845, ClinGen allele CA358170799.
Genomic context (GRCh38, chr4:127,920,800, plus strand): 5'-ATCGTGGTCCCCAGTGAGCATACACTTGGCTGATGAACATAGGCCCAAGAATCCGGGCTC[C>T]ACTTCCAGATGCTGTTAACCAGCCCATGTATACACCCTGTTGGGGGTGAAATGGAGGACA-3'
Protein context (NP_001358525.1, residues 453-473): YMGWLTASGS[Gly463Arg]ARILGPMFIS

ClinVar aggregate classification (germline): Uncertain significance (1 of 4 stars; one submission).

Conditions:
Neuronal ceroid lipofuscinosis 7 (CLN7). Also called: MFSD8-Related Neuronal Ceroid-Lipofuscinosis. Identifiers: Orphanet 168491, Orphanet 228366, MedGen C1838571, MONDO:0012588, OMIM 610951.

Submission:

Labcorp Genetics (formerly Invitae), Labcorp
Classification: Uncertain significance for Neuronal ceroid lipofuscinosis 7. Last evaluated: 2022-10-13. Review status: criteria provided, single submitter. Criteria: Invitae Variant Classification Sherloc (09022015). Collection method: clinical testing. Allele origin: germline.
Comment: Advanced modeling of protein sequence and biophysical properties (such as structural, functional, and spatial information, amino acid conservation, physicochemical variation, residue mobility, and thermodynamic stability) performed at Invitae indicates that this missense variant is expected to disrupt MFSD8 protein function. This variant has not been reported in the literature in individuals affected with MFSD8-related conditions. This variant is not present in population databases (gnomAD no frequency). This sequence change replaces glycine, which is neutral and non-polar, with arginine, which is basic and polar, at codon 463 of the MFSD8 protein (p.Gly463Arg). In summary, the available evidence is currently insufficient to determine the role of this variant in disease. Therefore, it has been classified as a Variant of Uncertain Significance.